The following is an entry in ClinVar:

NM_004341.5(CAD):c.2468T>A (p.Val823Glu)

Genes: CAD (carbamoyl-phosphate synthetase 2, aspartate transcarbamylase, and dihydroorotase; plus strand), LOC126806171 (BRD4-independent group 4 enhancer GRCh37_chr2:27454350-27455549; plus strand). Cytogenetic location: 2p23.3.
Variant type: single nucleotide variant.
Coding change: c.2468T>A on transcript NM_004341.5 (MANE Select); coding-DNA position 2468, T replaced by A.
Protein change: p.Val823Glu; replaces valine 823 with glutamic acid.
Molecular consequence: missense variant.
Genome position (GRCh38, 1-based): chr2:27,232,047, T>A. VCF-style: chr2-27232047-T-A. GRCh37 (hg19) VCF-style: chr2-27454915-T-A.
Other names: c.2279T>A, p.Val760Glu (NM_001306079.2); c.2468T>A (NM_004341.3); short protein forms V760E, V823E.
Identifiers: ClinVar variation 1967179 (VCV001967179.3), dbSNP rs756915889, ClinGen allele CA1573027.
Genomic context (GRCh38, chr2:27,232,047, plus strand): 5'-AGACTCCAACAGATAAGCGGATTTTTGTGGTGGCAGCTGCTTTGTGGGCTGGTTATTCAG[T>A]GGACCGCCTGTATGAGCTCACACGCATCGACCGCTGGTTCCTGCACCGAATGAAGCGTAT-3'
Protein context (NP_004332.2, residues 813-833): VAAALWAGYS[Val823Glu]DRLYELTRID

ClinVar aggregate classification (germline): Uncertain significance. Review status: criteria provided, multiple submitters, no conflicts (2 of 4 stars). 2 submissions from 2 submitters: Uncertain significance (2). Last evaluated 2025-10-28.

Conditions:
Inborn genetic diseases. Identifiers: MedGen C0950123, MeSH D030342.

Allele frequency attached by ClinVar (database versions not stated): TOPMed 0.00001; ExAC 0.00001.
gnomAD v4.1: 9 of 1,614,238 alleles (0.00056%); highest among the groups gnomAD compares: Admixed American, 0.0033%; no homozygotes.

Submissions (2):

Ambry Genetics
Classification: Uncertain significance for Inborn genetic diseases. Last evaluated: 2025-10-28. Review status: criteria provided, single submitter. Criteria: Ambry Variant Classification Scheme 2023. Collection method: clinical testing. Allele origin: germline.

Labcorp Genetics (formerly Invitae), Labcorp
Classification: Uncertain significance. Last evaluated: 2022-10-13. Review status: criteria provided, single submitter. Criteria: Invitae Variant Classification Sherloc (09022015). Collection method: clinical testing. Allele origin: germline.
Comment: This sequence change replaces valine, which is neutral and non-polar, with glutamic acid, which is acidic and polar, at codon 823 of the CAD protein (p.Val823Glu). This variant is present in population databases (rs756915889, gnomAD 0.006%). This variant has not been reported in the literature in individuals affected with CAD-related conditions. Advanced modeling of protein sequence and biophysical properties (such as structural, functional, and spatial information, amino acid conservation, physicochemical variation, residue mobility, and thermodynamic stability) performed at Invitae indicates that this missense variant is not expected to disrupt CAD protein function. In summary, the available evidence is currently insufficient to determine the role of this variant in disease. Therefore, it has been classified as a Variant of Uncertain Significance.